The following is an entry in ClinVar:

NM_005359.6(SMAD4):c.*6522C>T

Gene: SMAD4 (SMAD family member 4; plus strand). Cytogenetic location: 18q21.2.
Variant type: single nucleotide variant.
Coding change: c.*6522C>T on transcript NM_005359.6 (MANE Select); 6522 bases downstream of the stop codon, C replaced by T.
Molecular consequence: 3 prime UTR variant.
Genome position (GRCh38, 1-based): chr18:51,084,989, C>T. VCF-style: chr18-51084989-C-T. GRCh37 (hg19) VCF-style: chr18-48611359-C-T.
Identifiers: ClinVar variation 889242 (VCV000889242.35), dbSNP rs183472455, ClinGen allele CA300093390.
Genomic context (GRCh38, chr18:51,084,989, plus strand): 5'-GTGGCTTTCTGTATACTTTTGCCTGGTTAAAGTCTGTGGCTAAAAAATAGTCGAACCTTT[C>T]TTGAGAACTCTGTAACAAAGTATGTTTTTGATTAAAAGAGAAAGCCAACTAAATCATTAT-3'

ClinVar aggregate classification (germline): Conflicting classifications of pathogenicity. Review status: criteria provided, conflicting classifications (1 of 4 stars). 4 submissions from 2 submitters: Uncertain significance (3); Benign (1). Last evaluated 2023-05-01.

Conditions:
Generalized juvenile polyposis/juvenile polyposis coli. Also called: Juvenile polyposis coli. Identifiers: Orphanet 329971, MedGen C1868081, MONDO:0008276.
Myhre syndrome (MYHRS). Also called: LARYNGOTRACHEAL STENOSIS, ARTHROPATHY, PROGNATHISM, AND SHORT STATURE; LAPS SYNDROME. Identifiers: Orphanet 2588, MedGen C0796081, MONDO:0007688, OMIM 139210.
Juvenile polyposis/hereditary hemorrhagic telangiectasia syndrome (JPHT). Also called: Juvenile Polyposis Syndrome / Hereditary Hemorrhagic Telangiectasia (JPS/HHT); JP/HHT SYNDROME; JUVENILE POLYPOSIS WITH HEREDITARY HEMORRHAGIC TELANGIECTASIA; POLYPOSIS, GENERALIZED JUVENILE, WITH PULMONARY ARTERIOVENOUS MALFORMATION; TELANGIECTASIA, HEREDITARY HEMORRHAGIC, WITH JUVENILE POLYPOSIS COLI. Identifiers: Orphanet 2929, MedGen C1832942, MONDO:0008278, OMIM 175050.

Allele frequency attached by ClinVar (database versions not stated): 1000 Genomes Project 30x 0.00031; 1000 Genomes Project 0.00040; gnomAD 0.00047 and 0.00053; TOPMed 0.00052; gnomAD exomes 0.00055.
gnomAD v4.1: 115 of 207,580 alleles (0.055%); highest among the groups gnomAD compares: South Asian, 0.21%; 2 homozygotes.

Submissions (4):

CeGaT Center for Human Genetics Tuebingen
Classification: Benign. Last evaluated: 2023-05-01. Review status: criteria provided, single submitter. Criteria: CeGaT Center For Human Genetics Tuebingen Variant Classification Criteria Version 2. Collection method: clinical testing. Allele origin: germline. Affected: yes. Observed: 4 variant alleles.
Comment: SMAD4: BS1, BS2

Illumina Laboratory Services, Illumina
Classification: Uncertain significance for Juvenile polyposis syndrome. Last evaluated: 2018-01-13. Review status: criteria provided, single submitter. Criteria: ICSL Variant Classification Criteria 13 December 2019. Collection method: clinical testing. Allele origin: germline.

Illumina Laboratory Services, Illumina
Classification: Uncertain significance for Myhre syndrome. Last evaluated: 2018-01-13. Review status: criteria provided, single submitter. Criteria: ICSL Variant Classification Criteria 13 December 2019. Collection method: clinical testing. Allele origin: germline.

Illumina Laboratory Services, Illumina
Classification: Uncertain significance for Juvenile polyposis/hereditary hemorrhagic telangiectasia syndrome. Last evaluated: 2018-01-13. Review status: criteria provided, single submitter. Criteria: ICSL Variant Classification Criteria 13 December 2019. Collection method: clinical testing. Allele origin: germline.